The following is an entry in ClinVar:

ClinVar aggregate classification (germline): Pathogenic (1 of 4 stars; one submission).

Conditions:
Sphingolipid activator protein 1 deficiency. Also called: METACHROMATIC LEUKODYSTROPHY DUE TO CEREBROSIDE SULFATASE ACTIVATOR DEFICIENCY; Metachromatic leukodystrophy due to saposin B deficiency; Saposin B Deficiency. Identifiers: Orphanet 512, MedGen C0268262, MONDO:0009590, OMIM 249900.

Submission:

Labcorp Genetics (formerly Invitae), Labcorp
Classification: Pathogenic for Sphingolipid activator protein 1 deficiency. Last evaluated: 2022-04-24. Review status: criteria provided, single submitter. Criteria: Invitae Variant Classification Sherloc (09022015). Collection method: clinical testing. Allele origin: germline.
Comment: For these reasons, this variant has been classified as Pathogenic. This variant has not been reported in the literature in individuals affected with PSAP-related conditions. This variant is not present in population databases (gnomAD no frequency). This sequence change creates a premature translational stop signal (p.Gln34Argfs*3) in the PSAP gene. It is expected to result in an absent or disrupted protein product. Loss-of-function variants in PSAP are known to be pathogenic (PMID: 8554069, 11309366, 17616409, 19267410, 30632081).

Literature cited by the submitters: PubMed 8554069; PubMed 11309366; PubMed 17616409; PubMed 19267410; PubMed 30632081.

NM_002778.4(PSAP):c.100del (p.Gln34fs)

Gene: PSAP (prosaposin; minus strand). Cytogenetic location: 10q22.1.
Variant type: Deletion.
Coding change: c.100del on transcript NM_002778.4 (MANE Select); coding-DNA position 100, one base deleted (C; older notation c.100delC).
Protein change: p.Gln34fs; shifts the reading frame from glutamine 34.
Molecular consequence: frameshift variant.
Genome position (GRCh38, 1-based): chr10:71,834,446, G deleted on the plus strand (C on the coding strand, the reverse complement: PSAP is on the minus strand); the first of 2 consecutive G bases (chr10:71,834,446-71,834,447); deleting either gives the same sequence. VCF-style (leftmost placement, unchanged base first): chr10-71834445-TG-T. GRCh37 (hg19) VCF-style: chr10-73594202-TG-T.
Other names: c.100del, p.Gln34fs (NM_001042465.3, NM_001042466.3); short protein forms Q34fs.
Identifiers: ClinVar variation 2126174 (VCV002126174.4), dbSNP rs2494541782, ClinGen allele CA2580081975.
Genomic context (GRCh38, chr10:71,834,445, plus strand): 5'-TTCCAAACGGTCTGCAGGCAGTGCTTCACTGCCCCGCAGTCGGACGCCGTCTTCACATTC[TG>T]GCACCACACTGCCGAGCCCCTGGTGCATTCTTTCAGTCCAAGGACCGGGCCGGCTAGAGC-3'